The following is an entry in ClinVar:

NM_014324.6(AMACR):c.119G>C (p.Arg40Pro)

Genes: AMACR (alpha-methylacyl-CoA racemase; minus strand), C1QTNF3-AMACR (C1QTNF3-AMACR readthrough (NMD candidate); minus strand). Cytogenetic location: 5p13.2.
Variant type: single nucleotide variant.
Coding change: c.119G>C on transcript NM_014324.6 (MANE Select); coding-DNA position 119, G replaced by C.
Protein change: p.Arg40Pro; replaces arginine 40 with proline.
Molecular consequence: missense variant.
Genome position (GRCh38, 1-based): chr5:34,007,901, C>G on the plus strand (G>C on the coding strand, the complement: AMACR is on the minus strand). VCF-style: chr5-34007901-C-G. GRCh37 (hg19) VCF-style: chr5-34008006-C-G.
Other names: c.119G>C, p.Arg40Pro (NM_001167595.2, NM_203382.3); short protein forms R40P.
Identifiers: ClinVar variation 1972149 (VCV001972149.2), dbSNP rs746362245, ClinGen allele CA3226291.

ClinVar aggregate classification (germline): Uncertain significance (1 of 4 stars; one submission).

Conditions:
Alpha-methylacyl-CoA racemase deficiency (AMACRD). Also called: AMACR deficiency. Identifiers: Orphanet 79095, MedGen C3280428, MONDO:0013681, OMIM 614307. Disease mechanism: loss of function.

Allele frequency attached by ClinVar (database versions not stated): TOPMed below 0.00001; ExAC 0.00002.
gnomAD v4.1: 4 of 1,603,002 alleles (0.00025%); highest among the groups gnomAD compares: African/African-American, 0.004%; no homozygotes.

Submission:

Labcorp Genetics (formerly Invitae), Labcorp
Classification: Uncertain significance for Alpha-methylacyl-CoA racemase deficiency. Last evaluated: 2022-08-16. Review status: criteria provided, single submitter. Criteria: Invitae Variant Classification Sherloc (09022015). Collection method: clinical testing. Allele origin: germline.
Comment: This sequence change replaces arginine, which is basic and polar, with proline, which is neutral and non-polar, at codon 40 of the AMACR protein (p.Arg40Pro). This variant is present in population databases (rs746362245, gnomAD 0.001%). This variant has not been reported in the literature in individuals affected with AMACR-related conditions. Algorithms developed to predict the effect of missense changes on protein structure and function output the following: SIFT: "Tolerated"; PolyPhen-2: "Benign"; Align-GVGD: "Class C0". The proline amino acid residue is found in multiple mammalian species, which suggests that this missense change does not adversely affect protein function. In summary, the available evidence is currently insufficient to determine the role of this variant in disease. Therefore, it has been classified as a Variant of Uncertain Significance.